The following is an entry in ClinVar:

NM_001927.4(DES):c.906C>A (p.Asp302Glu)

Gene: DES (desmin; plus strand). Cytogenetic location: 2q35.
Variant type: single nucleotide variant.
Coding change: c.906C>A on transcript NM_001927.4 (MANE Select); coding-DNA position 906, C replaced by A.
Protein change: p.Asp302Glu; replaces aspartic acid 302 with glutamic acid.
Molecular consequence: missense variant. On other transcripts: intron variant (1).
Genome position (GRCh38, 1-based): chr2:219,420,836, C>A. VCF-style: chr2-219420836-C-A. GRCh37 (hg19) VCF-style: chr2-220285558-C-A.
Other names: c.903C>A, p.Asp301Glu (NM_001382708.1); c.906C>A, p.Asp302Glu (NM_001382710.1, NM_001382711.1, NM_001382712.1); c.636C>A, p.Asp212Glu (NM_001382713.1); c.735+490C>A (NM_001382709.1); short protein forms D212E, D301E, D302E.
Identifiers: ClinVar variation 1022876 (VCV001022876.11), dbSNP rs1224203630, ClinGen allele CA350692185.

ClinVar aggregate classification (germline): Uncertain significance. Review status: criteria provided, multiple submitters, no conflicts (2 of 4 stars). 2 submissions from 2 submitters: Uncertain significance (2). Last evaluated 2020-03-27.

Conditions:
Cardiovascular phenotype. Identifiers: MedGen CN230736.
Desmin-related myofibrillar myopathy (MFM1). Also called: Myofibrillar myopathy 1; Desminopathy; MYOFIBRILLAR MYOPATHY WITH ARRHYTHMOGENIC RIGHT VENTRICULAR CARDIOMYOPATHY; DESMIN-RELATED MYOPATHY WITH ARRHYTHMOGENIC RIGHT VENTRICULAR CARDIOMYOPATHY; Desmin related myopathy (former name); Desmin storage myopathy (former name). Identifiers: Orphanet 363543, Orphanet 98909, MedGen C1832370, MONDO:0011076, OMIM 601419.

Allele frequency attached by ClinVar (database versions not stated): TOPMed below 0.00001.
gnomAD v4.1: 1 of 1,613,726 alleles (0.000062%); highest among the groups gnomAD compares: Admixed American, 0.0017%; no homozygotes.

Submissions (2):

Ambry Genetics
Classification: Uncertain significance for Cardiovascular phenotype. Last evaluated: 2020-03-27. Review status: criteria provided, single submitter. Criteria: Ambry Variant Classification Scheme 2023. Collection method: clinical testing. Allele origin: germline.
Comment: The p.D302E variant (also known as c.906C>A), located in coding exon 5 of the DES gene, results from a C to A substitution at nucleotide position 906. The aspartic acid at codon 302 is replaced by glutamic acid, an amino acid with highly similar properties, and is located in the rod domain. This amino acid position is highly conserved in available vertebrate species. In addition, the in silico prediction for this alteration is inconclusive. Since supporting evidence is limited at this time, the clinical significance of this alteration remains unclear.

Labcorp Genetics (formerly Invitae), Labcorp
Classification: Uncertain significance for Desmin-related myofibrillar myopathy. Last evaluated: 2020-01-31. Review status: criteria provided, single submitter. Criteria: Invitae Variant Classification Sherloc (09022015). Collection method: clinical testing. Allele origin: germline.
Comment: This variant has not been reported in the literature in individuals with DES-related conditions. Algorithms developed to predict the effect of missense changes on protein structure and function are either unavailable or do not agree on the potential impact of this missense change (SIFT: "Tolerated"; PolyPhen-2: "Probably Damaging"; Align-GVGD: "Class C0"). In summary, the available evidence is currently insufficient to determine the role of this variant in disease. Therefore, it has been classified as a Variant of Uncertain Significance. This variant is not present in population databases (ExAC no frequency). This sequence change replaces aspartic acid with glutamic acid at codon 302 of the DES protein (p.Asp302Glu). The aspartic acid residue is highly conserved and there is a small physicochemical difference between aspartic acid and glutamic acid.